The following is an entry in ClinVar:

ClinVar aggregate classification (germline): Likely benign (1 of 4 stars; one submission).

Submission:

CeGaT Center for Human Genetics Tuebingen
Classification: Likely benign. Last evaluated: 2025-01-01. Review status: criteria provided, single submitter. Criteria: CeGaT Center For Human Genetics Tuebingen Variant Classification Criteria Version 2. Collection method: clinical testing. Allele origin: germline. Affected: yes. Observed: 1 variant allele.
Comment: PLXNB2: BP4, BP7

NM_012401.4(PLXNB2):c.4785C>T (p.Thr1595=)

Gene: PLXNB2 (plexin B2; minus strand). Cytogenetic location: 22q13.33.
Variant type: single nucleotide variant.
Coding change: c.4785C>T on transcript NM_012401.4 (MANE Select); coding-DNA position 4785, C replaced by T.
Protein change: p.Thr1595=; no amino-acid change (threonine 1595 retained).
Molecular consequence: synonymous variant.
Genome position (GRCh38, 1-based): chr22:50,278,219, G>A on the plus strand (C>T on the coding strand, the complement: PLXNB2 is on the minus strand). VCF-style: chr22-50278219-G-A. GRCh37 (hg19) VCF-style: chr22-50716648-G-A.
Other names: c.5022C>T, p.Thr1674= (NM_001376864.1); c.4854C>T, p.Thr1618= (NM_001376865.1); c.4785C>T, p.Thr1595= (NM_001376866.1, NM_001376867.1, NM_001376868.1 and 14 more transcripts); c.4761C>T, p.Thr1587= (NM_001376883.1); c.4707C>T, p.Thr1569= (NM_001376884.1, NM_001376885.1); c.4692C>T, p.Thr1564= (NM_001376886.1).
Identifiers: ClinVar variation 3770731 (VCV003770731.13).